The following is an entry in ClinVar:

NM_032130.3(FAM186B):c.595C>G (p.Leu199Val)

Gene: FAM186B (family with sequence similarity 186 member B; minus strand). Cytogenetic location: 12q13.12.
Variant type: single nucleotide variant.
Coding change: c.595C>G on transcript NM_032130.3 (MANE Select); coding-DNA position 595, C replaced by G.
Protein change: p.Leu199Val; replaces leucine 199 with valine.
Molecular consequence: missense variant. On other transcripts: non-coding transcript variant (1).
Genome position (GRCh38, 1-based): chr12:49,601,045, G>C on the plus strand (C>G on the coding strand, the complement: FAM186B is on the minus strand). VCF-style: chr12-49601045-G-C. GRCh37 (hg19) VCF-style: chr12-49994828-G-C.
Other names: short protein forms L199V.
Identifiers: ClinVar variation 3615322 (VCV003615322.2).

ClinVar aggregate classification (germline): Uncertain significance (1 of 4 stars; one submission).

Submission:

Labcorp Genetics (formerly Invitae), Labcorp
Classification: Uncertain significance. Last evaluated: 2024-05-06. Review status: criteria provided, single submitter. Criteria: Invitae Variant Classification Sherloc (09022015). Collection method: clinical testing. Allele origin: germline.
Comment: This sequence change replaces leucine, which is neutral and non-polar, with valine, which is neutral and non-polar, at codon 199 of the FAM186B protein (p.Leu199Val). This variant is present in population databases (no rsID available, gnomAD 0.003%). This variant has not been reported in the literature in individuals affected with FAM186B-related conditions. An algorithm developed to predict the effect of missense changes on protein structure and function (PolyPhen-2) suggests that this variant is likely to be disruptive. In summary, the available evidence is currently insufficient to determine the role of this variant in disease. Therefore, it has been classified as a Variant of Uncertain Significance.